The following is an entry in ClinVar:

ClinVar aggregate classification (germline): Uncertain significance (1 of 4 stars; one submission).

gnomAD v4.1: 1 of 1,614,136 alleles (0.000062%); highest among the groups gnomAD compares: Non-Finnish European, 0.000085%; no homozygotes.

Submission:

GeneDx
Classification: Uncertain significance. Last evaluated: 2025-07-31. Review status: criteria provided, single submitter. Criteria: GeneDx Variant Classification Process June 2021. Collection method: clinical testing. Allele origin: germline. Affected: yes.
Comment: Not observed at significant frequency in large population cohorts (gnomAD); In silico analysis supports that this missense variant has a deleterious effect on protein structure/function; Has not been previously published as pathogenic or benign to our knowledge

NM_005045.4(RELN):c.6443G>A (p.Cys2148Tyr)

Gene: RELN (reelin; minus strand). Cytogenetic location: 7q22.1.
Variant type: single nucleotide variant.
Coding change: c.6443G>A on transcript NM_005045.4 (MANE Select); coding-DNA position 6443, G replaced by A.
Protein change: p.Cys2148Tyr; replaces cysteine 2148 with tyrosine.
Molecular consequence: missense variant.
Genome position (GRCh38, 1-based): chr7:103,545,204, C>T on the plus strand (G>A on the coding strand, the complement: RELN is on the minus strand). VCF-style: chr7-103545204-C-T. GRCh37 (hg19) VCF-style: chr7-103185651-C-T.
Other names: c.6443G>A, p.Cys2148Tyr (NM_173054.3); short protein forms C2148Y.
Identifiers: ClinVar variation 4690159 (VCV004690159.1).